The following is an entry in ClinVar:

ClinVar aggregate classification (germline): Uncertain significance (1 of 4 stars; one submission).

Conditions:
Infantile-onset X-linked spinal muscular atrophy. Also called: Spinal Muscular Atrophy, X-Linked Infantile; SPINAL MUSCULAR ATROPHY, X-LINKED LETHAL INFANTILE; AMC, DISTAL, X-LINKED; ARTHROGRYPOSIS, X-LINKED, TYPE I; Spinal muscular atrophy, X-linked 2. Identifiers: Orphanet 1145, MedGen C1844934, MONDO:0010532, OMIM 301830.

Submission:

Labcorp Genetics (formerly Invitae), Labcorp
Classification: Uncertain significance for Infantile-onset X-linked spinal muscular atrophy. Last evaluated: 2018-07-05. Review status: criteria provided, single submitter. Criteria: Invitae Variant Classification Sherloc (09022015). Collection method: clinical testing. Allele origin: germline.
Comment: This variant is not present in population databases (ExAC no frequency). In summary, the available evidence is currently insufficient to determine the role of this variant in disease. Therefore, it has been classified as a Variant of Uncertain Significance. Algorithms developed to predict the effect of missense changes on protein structure and function (SIFT, PolyPhen-2, Align-GVGD) all suggest that this variant is likely to be tolerated, but these predictions have not been confirmed by published functional studies and their clinical significance is uncertain. This variant has not been reported in the literature in individuals with UBA1-related disease. This sequence change replaces valine with leucine at codon 187 of the UBA1 protein (p.Val187Leu). The valine residue is weakly conserved and there is a small physicochemical difference between valine and leucine.

NM_003334.4(UBA1):c.559G>T (p.Val187Leu)

Gene: UBA1 (ubiquitin like modifier activating enzyme 1; plus strand). Cytogenetic location: Xp11.3.
Variant type: single nucleotide variant.
Coding change: c.559G>T on transcript NM_003334.4 (MANE Select); coding-DNA position 559, G replaced by T.
Protein change: p.Val187Leu; replaces valine 187 with leucine.
Molecular consequence: missense variant.
Genome position (GRCh38, 1-based): chrX:47,200,972, G>T. VCF-style: chrX-47200972-G-T. GRCh37 (hg19) VCF-style: chrX-47060371-G-T.
Other names: c.559G>T, p.Val187Leu (NM_153280.3); short protein forms V187L.
Identifiers: ClinVar variation 659059 (VCV000659059.8), dbSNP rs1556787682, ClinGen allele CA412792110.
Genomic context (GRCh38, chrX:47,200,972, plus strand): 5'-ACCCCCCTGGAGGACCAGCTGCGAGTGGGTGAGTTCTGTCACAACCGTGGCATCAAGCTG[G>T]TGGTGGCAGACACGCGGGGCCTGTTTGGGTGAGTGGCAGCCCACCTCCCTCCCTGTCCCC-3'
Protein context (NP_003325.2, residues 177-197): EFCHNRGIKL[Val187Leu]VADTRGLFGQ